The following is an entry in ClinVar:

ClinVar aggregate classification (germline): Conflicting classifications of pathogenicity. Review status: criteria provided, conflicting classifications (1 of 4 stars). 2 submissions from 2 submitters: Uncertain significance (1); Likely benign (1). Last evaluated 2023-08-04.

Conditions:
Inborn genetic diseases. Identifiers: MedGen C0950123, MeSH D030342.

Allele frequency attached by ClinVar (database versions not stated): gnomAD 0.00001 and 0.00002; gnomAD exomes 0.00001 and 0.00003; TOPMed 0.00001; ExAC 0.00005.
gnomAD v4.1: 25 of 1,614,134 alleles (0.0015%); highest among the groups gnomAD compares: African/African-American, 0.011%; no homozygotes.

Submissions (2):

Labcorp Genetics (formerly Invitae), Labcorp
Classification: Uncertain significance. Last evaluated: 2023-08-04. Review status: criteria provided, single submitter. Criteria: Invitae Variant Classification Sherloc (09022015). Collection method: clinical testing. Allele origin: germline.
Comment: In summary, the available evidence is currently insufficient to determine the role of this variant in disease. Therefore, it has been classified as a Variant of Uncertain Significance. Algorithms developed to predict the effect of missense changes on protein structure and function output the following: SIFT: "Not Available"; PolyPhen-2: "Benign"; Align-GVGD: "Not Available". The leucine amino acid residue is found in multiple mammalian species, which suggests that this missense change does not adversely affect protein function. ClinVar contains an entry for this variant (Variation ID: 1391183). This variant has not been reported in the literature in individuals affected with LAMB1-related conditions. This variant is present in population databases (rs547247575, gnomAD 0.006%). This sequence change replaces serine, which is neutral and polar, with leucine, which is neutral and non-polar, at codon 972 of the LAMB1 protein (p.Ser972Leu).

Ambry Genetics
Classification: Likely benign for Inborn genetic diseases. Last evaluated: 2021-09-27. Review status: criteria provided, single submitter. Criteria: Ambry Variant Classification Scheme 2023. Collection method: clinical testing. Allele origin: germline.

NM_002291.3(LAMB1):c.2915C>T (p.Ser972Leu)

Gene: LAMB1 (laminin subunit beta 1; minus strand). Cytogenetic location: 7q31.1.
Variant type: single nucleotide variant.
Coding change: c.2915C>T on transcript NM_002291.3 (MANE Select); coding-DNA position 2915, C replaced by T.
Protein change: p.Ser972Leu; replaces serine 972 with leucine.
Molecular consequence: missense variant.
Genome position (GRCh38, 1-based): chr7:107,953,694, G>A on the plus strand (C>T on the coding strand, the complement: LAMB1 is on the minus strand). VCF-style: chr7-107953694-G-A. GRCh37 (hg19) VCF-style: chr7-107594139-G-A.
Other names: c.2915C>T (NM_002291.2); short protein forms S972L.
Identifiers: ClinVar variation 1391183 (VCV001391183.7), dbSNP rs547247575, ClinGen allele CA4435483.